The following is an entry in ClinVar:

NM_000392.5(ABCC2):c.3396T>C (p.Ile1132=)

Genes: ABCC2 (ATP binding cassette subfamily C member 2; plus strand), LOC126861013 (CDK7 strongly-dependent group 2 enhancer GRCh37_chr10:101593724-101594923; plus strand). Cytogenetic location: 10q24.2.
Variant type: single nucleotide variant.
Coding change: c.3396T>C on transcript NM_000392.5 (MANE Select); coding-DNA position 3396, T replaced by C.
Protein change: p.Ile1132=; no amino-acid change (isoleucine 1132 retained).
Molecular consequence: synonymous variant.
Genome position (GRCh38, 1-based): chr10:99,834,517, T>C. VCF-style: chr10-99834517-T-C. GRCh37 (hg19) VCF-style: chr10-101594274-T-C.
Identifiers: ClinVar variation 771742 (VCV000771742.37), dbSNP rs17216345, ClinGen allele CA5643787.

ClinVar aggregate classification (germline): Benign. Review status: criteria provided, multiple submitters, no conflicts (2 of 4 stars). 4 submissions from 4 submitters: Benign (4). Last evaluated 2026-07-01.

Conditions:
Dubin-Johnson syndrome (DJS). Also called: Jaundice, Chronic Idiopathic; Hyperbilirubinemia type 2; HYPERBILIRUBINEMIA, DUBIN-JOHNSON TYPE. Identifiers: Orphanet 234, MedGen C0022350, MONDO:0009380, OMIM 237500.

Allele frequency attached by ClinVar (database versions not stated): TOPMed 0.00299; gnomAD 0.00324 and 0.00344; ESP Exome Variant Server 0.00331; 1000 Genomes Project 0.00339; 1000 Genomes Project 30x 0.00375; gnomAD exomes 0.00470 and 0.00509; ExAC 0.00493.
gnomAD v4.1: 7,930 of 1,614,172 alleles (0.49%); highest among the groups gnomAD compares: Middle Eastern, 1.1%; 35 homozygotes.

Submissions (4):

CeGaT Center for Human Genetics Tuebingen
Classification: Benign. Last evaluated: 2026-07-01. Review status: criteria provided, single submitter. Criteria: CeGaT Center For Human Genetics Tuebingen Variant Classification Criteria Version 2. Collection method: clinical testing. Allele origin: germline. Affected: yes. Observed: 4 variant alleles.
Comment: ABCC2: BP4, BP7, BS1, BS2

Labcorp Genetics (formerly Invitae), Labcorp
Classification: Benign. Last evaluated: 2026-02-01. Review status: criteria provided, single submitter. Criteria: Invitae Variant Classification Sherloc (09022015). Collection method: clinical testing. Allele origin: germline.

Illumina Laboratory Services, Illumina
Classification: Benign for Dubin-Johnson syndrome. Last evaluated: 2017-04-27. Review status: criteria provided, single submitter. Criteria: ICSL Variant Classification Criteria 13 December 2019. Collection method: clinical testing. Allele origin: germline.
Comment: This variant was observed as part of a predisposition screen in an ostensibly healthy population. A literature search was performed for the gene, cDNA change, and amino acid change (where applicable). No publications were found based on this search. Allele frequency data from public databases was too high to be consistent with this variant causing disease. Therefore, this variant is classified as benign.

Breakthrough Genomics
Classification: Benign. Review status: criteria provided, single submitter. Criteria: ACMG Guidelines, 2015. Collection method: not provided. Allele origin: germline. Inheritance: Autosomal recessive inheritance. Affected: yes.